The following is an entry in ClinVar:

NM_002529.4(NTRK1):c.1804C>T (p.Arg602Ter)

Gene: NTRK1 (neurotrophic receptor tyrosine kinase 1; plus strand). Cytogenetic location: 1q23.1.
Variant type: single nucleotide variant.
Coding change: c.1804C>T on transcript NM_002529.4 (MANE Select); coding-DNA position 1804, C replaced by T.
Protein change: p.Arg602Ter; replaces arginine 602 with a stop codon.
Molecular consequence: nonsense.
Genome position (GRCh38, 1-based): chr1:156,876,571, C>T. VCF-style: chr1-156876571-C-T. GRCh37 (hg19) VCF-style: chr1-156846363-C-T.
Other names: c.1696C>T, p.Arg566Ter (NM_001007792.1); c.1786C>T, p.Arg596Ter (NM_001012331.2); short protein forms R566*, R596*, R602*.
Identifiers: ClinVar variation 620139 (VCV000620139.19), dbSNP rs763758904, ClinGen allele CA1169474.

ClinVar aggregate classification (germline): Pathogenic. Review status: criteria provided, multiple submitters, no conflicts (2 of 4 stars). 8 submissions from 8 submitters: Pathogenic (6). 2 of the submissions do not count toward it. Last evaluated 2025-12-14.

Conditions:
Charcot-Marie-Tooth disease. Also called: Charcot-Marie-Tooth Neuropathy; Charcot-Marie-Tooth Hereditary Neuropathy. Identifiers: Orphanet 166, MedGen C0007959, MONDO:0015626.
Hereditary insensitivity to pain with anhidrosis (CIPA). Also called: FAMILIAL DYSAUTONOMIA, TYPE II; NTRK1 Congenital Insensitivity to Pain with Anhidrosis; NEUROPATHY, CONGENITAL SENSORY, WITH ANHIDROSIS; HSAN Type IV; INSENSITIVITY TO PAIN, CONGENITAL, WITH ANHIDROSIS; hereditary sensory and autonomic neuropathy type 4. Identifiers: Orphanet 642, MedGen C0020074, MONDO:0009746, OMIM 256800.

Allele frequency attached by ClinVar (database versions not stated): gnomAD exomes below 0.00001; TOPMed below 0.00001; gnomAD 0.00001.
gnomAD v4.1: 23 of 1,611,132 alleles (0.0014%); highest among the groups gnomAD compares: East Asian, 0.0022%; no homozygotes.

Submissions (8):

Labcorp Genetics (formerly Invitae), Labcorp
Classification: Pathogenic for Hereditary insensitivity to pain with anhidrosis. Last evaluated: 2025-12-14. Review status: criteria provided, single submitter. Criteria: Invitae Variant Classification Sherloc (09022015). Collection method: clinical testing. Allele origin: germline.
Comment: This sequence change creates a premature translational stop signal (p.Arg596*) in the NTRK1 gene. It is expected to result in an absent or disrupted protein product. Loss-of-function variants in NTRK1 are known to be pathogenic (PMID: 10982191). The frequency data for this variant in the population databases is considered unreliable, as metrics indicate poor data quality at this position in the gnomAD database. This premature translational stop signal has been observed in individuals with congenital insensitivity to pain with anhidrosis (PMID: 27265460, 28981924, 29770739). This variant is also known as c.1804C>T p.Arg602*. ClinVar contains an entry for this variant (Variation ID: 620139). For these reasons, this variant has been classified as Pathogenic.

Natera, Inc.
Classification: Pathogenic for Hereditary insensitivity to pain with anhidrosis. Last evaluated: 2025-06-05. Review status: criteria provided, single submitter. Criteria: Natera Variant Classification Schema (03/2026). Collection method: clinical testing. Allele origin: germline.
Comment: The c.1786C>T variant in NTRK1 is a nonsense variant predicted to introduce a stop codon at amino acid 596. This variant is expected to result in nonsense mediated decay, truncation, or a dysfunctional protein product. This variant is rare in the general population with a frequency below the threshold expected for the associated phenotype(s). This variant has been observed in one or more individuals affected with the associated recessive disease, as either homozygous or compound heterozygous with a second variant (PMID: 38833577). Given the available evidence, this variant is classified as Pathogenic.

3billion
Classification: Pathogenic for Hereditary insensitivity to pain with anhidrosis. Last evaluated: 2024-03-14. Review status: criteria provided, single submitter. Criteria: ACMG Guidelines, 2015. Collection method: clinical testing. Allele origin: germline. Affected: yes.
Comment: The variant is observed at an extremely low frequency in the gnomAD v2.1.1 dataset (total allele frequency: <0.001%). Predicted Consequence/Location: Stop-gained (nonsense): predicted to result in a loss or disruption of normal protein function through nonsense-mediated decay (NMD) or protein truncation. Multiple pathogenic variants are reported downstream of the variant. The variant has been reported at least twice as pathogenic with clinical assertions and evidence for the classification (ClinVar ID: VCV000620139 /PMID: 10982191 /3billion dataset). Therefore, this variant is classified as Pathogenic according to the recommendation of ACMG/AMP guideline.

GeneDx
Classification: Pathogenic. Last evaluated: 2023-11-01. Review status: criteria provided, single submitter. Criteria: GeneDx Variant Classification Process June 2021. Collection method: clinical testing. Allele origin: germline. Affected: yes.
Comment: Nonsense variant predicted to result in protein truncation or nonsense mediated decay in a gene for which loss of function is a known mechanism of disease; Not observed at significant frequency in large population cohorts (gnomAD); This variant is associated with the following publications: (PMID: 25525159, 11748840, 31589614, 32807182, 27265460, 28981924, 29770739, 34405299, 10982191, 30774415)

Genome-Nilou Lab
Classification: Pathogenic for Hereditary insensitivity to pain with anhidrosis. Last evaluated: 2023-04-11. Review status: criteria provided, single submitter. Criteria: ACMG Guidelines, 2015. Collection method: clinical testing. Allele origin: germline. Affected: no.

Fulgent Genetics
Classification: Pathogenic for Hereditary insensitivity to pain with anhidrosis. Last evaluated: 2021-07-30. Review status: criteria provided, single submitter. Criteria: ACMG Guidelines, 2015. Collection method: clinical testing. Allele origin: unknown.

Department of Neurology and Geriatrics, Kagoshima University Graduate School of Medical and Dental Sciences
Classification: Pathogenic for Hereditary insensitivity to pain with anhidrosis. Last evaluated: 2021-11-16. Review status: no assertion criteria provided. Collection method: research. Allele origin: germline. Affected: yes. Not counted in ClinVar's aggregate classification.

Inherited Neuropathy Consortium
Classification: Uncertain significance for Charcot-Marie-Tooth disease. Review status: no assertion criteria provided. Collection method: literature only. Allele origin: germline. Affected: yes. Not counted in ClinVar's aggregate classification.

Literature cited by the submitters: PubMed 10982191 (cited by 3 submitters); PubMed 27265460 (cited by Labcorp Genetics (formerly Invitae), Labcorp); PubMed 28981924 (cited by Labcorp Genetics (formerly Invitae), Labcorp); PubMed 29770739 (cited by Labcorp Genetics (formerly Invitae), Labcorp); PubMed 38833577 (cited by Natera, Inc.).